The following is an entry in ClinVar:

ClinVar aggregate classification (germline): Pathogenic/Likely pathogenic. Review status: criteria provided, multiple submitters, no conflicts (2 of 4 stars). 7 submissions from 7 submitters: Pathogenic (4); Likely pathogenic (2). 1 of the submissions does not count toward it. Last evaluated 2025-11-12.

Conditions:
Smith-Lemli-Opitz syndrome (SLOS). Also called: 7-Dehydrocholesterol reductase deficiency; LETHAL ACRODYSGENITAL SYNDROME; POLYDACTYLY, SEX REVERSAL, RENAL HYPOPLASIA, AND UNILOBAR LUNG; RSH SYNDROME; RUTLEDGE LETHAL MULTIPLE CONGENITAL ANOMALY SYNDROME. Identifiers: Orphanet 818, MedGen C0175694, MONDO:0010035, OMIM 270400.

Allele frequency attached by ClinVar (database versions not stated): gnomAD exomes below 0.00001; TOPMed below 0.00001.
gnomAD v4.1: 1 of 1,614,072 alleles (0.000062%); highest among the groups gnomAD compares: Non-Finnish European, 0.000085%; no homozygotes.

Submissions (7):

Labcorp Genetics (formerly Invitae), Labcorp
Classification: Pathogenic for Smith-Lemli-Opitz syndrome. Last evaluated: 2025-11-12. Review status: criteria provided, single submitter. Criteria: Invitae Variant Classification Sherloc (09022015). Collection method: clinical testing. Allele origin: germline.
Comment: This sequence change replaces alanine, which is neutral and non-polar, with valine, which is neutral and non-polar, at codon 247 of the DHCR7 protein (p.Ala247Val). This variant is not present in population databases (gnomAD no frequency). This missense change has been observed in individual(s) with Smith–Lemli–Opitz syndrome (PMID: 9653161, 10995508, 15896653). In at least one individual the data is consistent with being in trans (on the opposite chromosome) from a pathogenic variant. ClinVar contains an entry for this variant (Variation ID: 280065). Invitae Evidence Modeling of protein sequence and biophysical properties (such as structural, functional, and spatial information, amino acid conservation, physicochemical variation, residue mobility, and thermodynamic stability) indicates that this missense variant is expected to disrupt DHCR7 protein function with a positive predictive value of 95%. For these reasons, this variant has been classified as Pathogenic.

Natera, Inc.
Classification: Likely pathogenic for Smith-Lemli-Opitz syndrome. Last evaluated: 2025-07-21. Review status: criteria provided, single submitter. Criteria: Natera Variant Classification Schema (03/2026). Collection method: clinical testing. Allele origin: germline.
Comment: The c.740C>T variant in DHCR7 is a missense variant predicted to cause substitution of alanine to valine at amino acid 247. This variant is rare in the general population with a frequency below the threshold expected for the associated phenotype(s). This variant has been observed in one or more individuals affected with the associated recessive disease, as either homozygous or compound heterozygous with a second variant (PMID: 15464432, 23293579, 9653161). Computational prediction algorithms indicate this variant is likely to affect gene or protein function. Given the available evidence, this variant is classified as Likely Pathogenic.

Fulgent Genetics
Classification: Likely pathogenic for Smith-Lemli-Opitz syndrome. Last evaluated: 2024-03-22. Review status: criteria provided, single submitter. Criteria: ACMG Guidelines, 2015. Collection method: clinical testing. Allele origin: germline.

GeneDx
Classification: Pathogenic. Last evaluated: 2023-10-03. Review status: criteria provided, single submitter. Criteria: GeneDx Variant Classification Process June 2021. Collection method: clinical testing. Allele origin: germline. Affected: yes.
Comment: Not observed at significant frequency in large population cohorts (gnomAD); In silico analysis supports that this missense variant has a deleterious effect on protein structure/function; This variant is associated with the following publications: (PMID: 10995508, 9653161, 15464432, 11111101, 23293579, 15670717, 11175299, 10677299, 24500076, 23042628, 12914579)

Victorian Clinical Genetics Services, Murdoch Childrens Research Institute
Classification: Pathogenic for Smith-Lemli-Opitz syndrome. Last evaluated: 2022-09-02. Review status: criteria provided, single submitter. Criteria: ACMG Guidelines, 2015. Collection method: clinical testing. Allele origin: germline. Inheritance: Autosomal recessive inheritance. Affected: yes.
Comment: Based on the classification scheme VCGS_Germline_v1.3.4, this variant is classified as Pathogenic. Following criteria are met: 0102 - Loss of function is a known mechanism of disease in this gene and is associated with Smith-Lemli-Opitz syndrome (MIM#270400). (I) 0106 - This gene is associated with autosomal recessive disease. (I) 0115 - Variants in this gene are known to have variable expressivity. Exceptionally mild and severe cases have been reported, with intra and interfamilial variable expressivity (PMID: 35305950). (I) 0200 - Variant is predicted to result in a missense amino acid change from alanine to valine. (I) 0251 - This variant is heterozygous. (I) 0301 - Variant is absent from gnomAD (both v2 and v3). (SP) 0309 - An alternative amino acid change at the same position has been observed in gnomAD (v2) (1 heterozygote, 0 homozygotes). (I) 0501 - Missense variant consistently predicted to be damaging by multiple in silico tools or highly conserved with a major amino acid change. (SP) 0600 - Variant is located in the annotated ergosterol biosynthesis ERG4/ERG24 family domain (DECIPHER). (I) 0703 - Other missense variants comparable to the one identified in this case have moderate previous evidence for pathogenicity. p.(Ala247Ser) and p.(Ala247Thr) have been classified as likely pathogenic and pathogenic respectively by a clinical laboratory in ClinVar. (SP) 0801 - This variant has strong previous evidence of pathogenicity in unrelated individuals. This variant has been classified as pathogenic and likely pathogenic by clinical laboratories in ClinVar, and has also been observed as compound heterozygous in several individuals with Smith-Lemli-Opitz syndrome in the literature (PMIDs: 10995508, 10677299, 23293579, 9653161). (SP) 1005 - Clinically accredited laboratory assay specific to gene product shows abnormal protein function. (I) Legend: (SP) - Supporting pathogenic, (I) - Information, (SB) - Supporting benign

Baylor Genetics
Classification: Pathogenic for Smith-Lemli-Opitz syndrome. Review status: criteria provided, single submitter. Criteria: ACMG Guidelines, 2015. Collection method: clinical testing. Allele origin: germline.

Counsyl
Classification: Likely pathogenic for Smith-Lemli-Opitz syndrome. Last evaluated: 2017-11-07. Review status: no assertion criteria provided. Collection method: clinical testing. Allele origin: unknown. Not counted in ClinVar's aggregate classification.

Literature cited by the submitters: PubMed 9653161 (cited by 4 submitters); PubMed 10995508 (cited by Labcorp Genetics (formerly Invitae), Labcorp and Victorian Clinical Genetics Services, Murdoch Childrens Research Institute); PubMed 15896653 (cited by Labcorp Genetics (formerly Invitae), Labcorp); PubMed 15464432 (cited by Natera, Inc. and Counsyl); PubMed 23293579 (cited by 3 submitters); PubMed 10677299 (cited by Victorian Clinical Genetics Services, Murdoch Childrens Research Institute and Counsyl); PubMed 35305950 (cited by Victorian Clinical Genetics Services, Murdoch Childrens Research Institute).

NM_001360.3(DHCR7):c.740C>T (p.Ala247Val)

Gene: DHCR7 (7-dehydrocholesterol reductase; minus strand). Cytogenetic location: 11q13.4.
Variant type: single nucleotide variant.
Coding change: c.740C>T on transcript NM_001360.3 (MANE Select); coding-DNA position 740, C replaced by T.
Protein change: p.Ala247Val; replaces alanine 247 with valine.
Molecular consequence: missense variant.
Genome position (GRCh38, 1-based): chr11:71,438,970, G>A on the plus strand (C>T on the coding strand, the complement: DHCR7 is on the minus strand). VCF-style: chr11-71438970-G-A. GRCh37 (hg19) VCF-style: chr11-71150016-G-A.
Other names: c.740C>T, p.Ala247Val (NM_001163817.2); short protein forms A247V.
Identifiers: ClinVar variation 280065 (VCV000280065.18), dbSNP rs886041354, ClinGen allele CA10603223.